The following is an entry in ClinVar:

ClinVar aggregate classification (germline): Benign/Likely benign. Review status: criteria provided, multiple submitters, no conflicts (2 of 4 stars). 6 submissions from 6 submitters: Benign (1); Likely benign (4). 1 of the submissions does not count toward it. Last evaluated 2026-04-01.

Conditions:
Developmental and epileptic encephalopathy 94 (DEE94). Also called: Epileptic encephalopathy, childhood-onset; CHD2-Related Neurodevelopmental Disorders. Identifiers: Orphanet 1942, Orphanet 2382, MedGen C3809278, MONDO:0014150, OMIM 615369.
Inborn genetic diseases. Identifiers: MedGen C0950123, MeSH D030342.
CHD2-related disorder. Also called: CHD2-related condition.

Allele frequency attached by ClinVar (database versions not stated): ESP Exome Variant Server 0.00008; ExAC 0.00010; gnomAD 0.00011 and 0.00013; 1000 Genomes Project 30x 0.00016; TOPMed 0.00017; gnomAD exomes 0.00018 and 0.00020; 1000 Genomes Project 0.00020.
gnomAD v4.1: 299 of 1,613,992 alleles (0.019%); highest among the groups gnomAD compares: Admixed American, 0.048%; no homozygotes.

Submissions (6):

CeGaT Center for Human Genetics Tuebingen
Classification: Likely benign. Last evaluated: 2026-04-01. Review status: criteria provided, single submitter. Criteria: CeGaT Center For Human Genetics Tuebingen Variant Classification Criteria Version 2. Collection method: clinical testing. Allele origin: germline. Affected: yes. Observed: 2 variant alleles.
Comment: CHD2: BP4, BP7

Labcorp Genetics (formerly Invitae), Labcorp
Classification: Likely benign for Developmental and epileptic encephalopathy 94. Last evaluated: 2026-01-07. Review status: criteria provided, single submitter. Criteria: Invitae Variant Classification Sherloc (09022015). Collection method: clinical testing. Allele origin: germline.

Blueprint Genetics
Classification: Likely benign. Last evaluated: 2024-08-30. Review status: criteria provided, single submitter. Criteria: ACMG Guidelines, 2015. Collection method: clinical testing. Allele origin: germline.

GeneDx
Classification: Benign. Last evaluated: 2019-07-09. Review status: criteria provided, single submitter. Criteria: GeneDx Variant Classification Process June 2021. Collection method: clinical testing. Allele origin: germline. Affected: yes.

Ambry Genetics
Classification: Likely benign for Inborn genetic diseases. Last evaluated: 2017-05-30. Review status: criteria provided, single submitter. Criteria: Ambry Variant Classification Scheme 2023. Collection method: clinical testing. Allele origin: germline.

PreventionGenetics, part of Exact Sciences
Classification: Likely benign for CHD2-related condition. Last evaluated: 2020-12-16. Review status: no assertion criteria provided. Collection method: clinical testing. Allele origin: germline. Not counted in ClinVar's aggregate classification.
Comment: This variant is classified as likely benign based on ACMG/AMP sequence variant interpretation guidelines (Richards et al. 2015 PMID: 25741868, with internal and published modifications).

NM_001271.4(CHD2):c.4953C>T (p.Gly1651=)

Gene: CHD2 (chromodomain helicase DNA binding protein 2; plus strand). Cytogenetic location: 15q26.1.
Variant type: single nucleotide variant.
Coding change: c.4953C>T on transcript NM_001271.4 (MANE Select); coding-DNA position 4953, C replaced by T.
Protein change: p.Gly1651=; no amino-acid change (glycine 1651 retained).
Molecular consequence: synonymous variant.
Genome position (GRCh38, 1-based): chr15:93,020,058, C>T. VCF-style: chr15-93020058-C-T. GRCh37 (hg19) VCF-style: chr15-93563288-C-T.
Identifiers: ClinVar variation 383129 (VCV000383129.25), dbSNP rs201939255, ClinGen allele CA7748607.